The following is an entry in ClinVar:

NM_004995.4(MMP14):c.1292G>A (p.Arg431His)

Gene: MMP14 (matrix metallopeptidase 14; plus strand). Cytogenetic location: 14q11.2.
Variant type: single nucleotide variant.
Coding change: c.1292G>A on transcript NM_004995.4 (MANE Select); coding-DNA position 1292, G replaced by A.
Protein change: p.Arg431His; replaces arginine 431 with histidine.
Molecular consequence: missense variant.
Genome position (GRCh38, 1-based): chr14:22,844,771, G>A. VCF-style: chr14-22844771-G-A. GRCh37 (hg19) VCF-style: chr14-23313980-G-A.
Other names: short protein forms R431H.
Identifiers: ClinVar variation 717373 (VCV000717373.12), dbSNP rs3751489, ClinGen allele CA7105422.

ClinVar aggregate classification (germline): Benign. Review status: criteria provided, single submitter (1 of 4 stars). 2 submissions from 2 submitters: Benign (1). 1 of the submissions does not count toward it. Last evaluated 2026-01-18.

Conditions:
MMP14-related disorder. Also called: MMP14-related condition.

Allele frequency attached by ClinVar (database versions not stated): ESP Exome Variant Server 0.00008; gnomAD exomes 0.00052 and 0.00182; gnomAD 0.00060 and 0.00078; TOPMed 0.00113; ExAC 0.00193; 1000 Genomes Project 0.00439; 1000 Genomes Project 30x 0.00453.
gnomAD v4.1: 894 of 1,614,050 alleles (0.055%); highest among the groups gnomAD compares: East Asian, 1.5%; 6 homozygotes.

Submissions (2):

Labcorp Genetics (formerly Invitae), Labcorp
Classification: Benign. Last evaluated: 2026-01-18. Review status: criteria provided, single submitter. Criteria: Invitae Variant Classification Sherloc (09022015). Collection method: clinical testing. Allele origin: germline.

PreventionGenetics, part of Exact Sciences
Classification: Benign for MMP14-related condition. Last evaluated: 2019-06-13. Review status: no assertion criteria provided. Collection method: clinical testing. Allele origin: germline. Not counted in ClinVar's aggregate classification.
Comment: This variant is classified as benign based on ACMG/AMP sequence variant interpretation guidelines (Richards et al. 2015 PMID: 25741868, with internal and published modifications).